The following is an entry in ClinVar:

ClinVar aggregate classification (germline): Benign. Review status: criteria provided, multiple submitters, no conflicts (2 of 4 stars). 4 submissions from 4 submitters: Benign (3). 1 of the submissions does not count toward it. Last evaluated 2018-06-14.

Conditions:
Tuberous sclerosis syndrome (TSC). Also called: Tuberous Sclerosis Complex; Tuberous sclerosis. Identifiers: Orphanet 805, MedGen C0041341, MONDO:0001734.

Allele frequency attached by ClinVar (database versions not stated): gnomAD exomes 0.01008 and 0.02660; ExAC 0.03242; gnomAD 0.10266 and 0.11019; 1000 Genomes Project 0.10942; ESP Exome Variant Server 0.11242; TOPMed 0.11464; 1000 Genomes Project 30x 0.11508.
gnomAD v4.1: 31,108 of 1,612,948 alleles (1.9%); highest among the groups gnomAD compares: African/African-American, 35%; 4,960 homozygotes.

Submissions (4):

GeneDx
Classification: Benign. Last evaluated: 2018-06-14. Review status: criteria provided, single submitter. Criteria: GeneDx Variant Classification (06012015). Collection method: clinical testing. Allele origin: germline. Affected: yes.
Comment: This variant is considered likely benign or benign based on one or more of the following criteria: it is a conservative change, it occurs at a poorly conserved position in the protein, it is predicted to be benign by multiple in silico algorithms, and/or has population frequency not consistent with disease.

Breakthrough Genomics
Classification: Benign. Review status: criteria provided, single submitter. Criteria: ACMG Guidelines, 2015. Collection method: not provided. Allele origin: germline. Inheritance: Autosomal dominant inheritance. Affected: yes.

PreventionGenetics, part of Exact Sciences
Classification: Benign. Review status: criteria provided, single submitter. Criteria: ACMG Guidelines, 2015. Collection method: clinical testing. Allele origin: germline.

Tuberous sclerosis database (TSC2)
No classification provided. Condition: TSC. Review status: no classification provided. Criteria: Tuberous Sclerosis Database Assertion Criteria 2015. Collection method: curation. Allele origin: germline. Affected: yes. Not counted in ClinVar's aggregate classification.

NM_000548.5(TSC2):c.2221-28A>G

Gene: TSC2 (TSC complex subunit 2; plus strand). Cytogenetic location: 16p13.3.
Variant type: single nucleotide variant.
Coding change: c.2221-28A>G on transcript NM_000548.5 (MANE Select); 28 bases into the intron before coding-DNA position 2221, A replaced by G.
Molecular consequence: intron variant.
Genome position (GRCh38, 1-based): chr16:2,072,821, A>G. VCF-style: chr16-2072821-A-G. GRCh37 (hg19) VCF-style: chr16-2122822-A-G.
Other names: c.2221-28A>G (NM_001114382.3, NM_021055.3, NM_001370405.1 and 3 more transcripts); c.2110-28A>G (NM_001318827.2); c.1621-28A>G (NM_001318831.2); c.2074-28A>G (NM_001318829.2); c.2254-28A>G (NM_001318832.2).
Identifiers: ClinVar variation 49604 (VCV000049604.4), dbSNP rs7196184, ClinGen allele CA016985.